The following is an entry in ClinVar:

ClinVar aggregate classification (germline): Uncertain significance (1 of 4 stars; one submission).

Conditions:
EHHADH-related disorder. Also called: EHHADH-related condition.

gnomAD v4.1: 15 of 1,614,112 alleles (0.00093%); highest among the groups gnomAD compares: South Asian, 0.0077%; no homozygotes.

Submission:

PreventionGenetics, part of Exact Sciences
Classification: Uncertain significance for EHHADH-related condition. Last evaluated: 2025-09-08. Review status: criteria provided, single submitter. Criteria: ACMG Guidelines, 2015. Collection method: clinical testing. Allele origin: germline.
Comment: The EHHADH c.1937T>C variant is predicted to result in the amino acid substitution p.Ile646Thr. To our knowledge, this variant has not been reported in the literature. This variant is reported in 0.0062% of alleles in individuals of African descent in gnomAD. At this time, the clinical significance of this variant is uncertain due to the absence of conclusive functional and genetic evidence.

NM_001966.4(EHHADH):c.1937T>C (p.Ile646Thr)

Gene: EHHADH (enoyl-CoA hydratase and 3-hydroxyacyl CoA dehydrogenase; minus strand). Cytogenetic location: 3q27.2.
Variant type: single nucleotide variant.
Coding change: c.1937T>C on transcript NM_001966.4 (MANE Select); coding-DNA position 1937, T replaced by C.
Protein change: p.Ile646Thr; replaces isoleucine 646 with threonine.
Molecular consequence: missense variant.
Genome position (GRCh38, 1-based): chr3:185,192,461, A>G on the plus strand (T>C on the coding strand, the complement: EHHADH is on the minus strand). VCF-style: chr3-185192461-A-G. GRCh37 (hg19) VCF-style: chr3-184910249-A-G.
Other names: c.1649T>C, p.Ile550Thr (NM_001166415.2); short protein forms I550T, I646T.
Identifiers: ClinVar variation 4977347 (VCV004977347.1).